The following is an entry in ClinVar:

ClinVar aggregate classification (germline): Uncertain significance (1 of 4 stars; one submission).

Allele frequency attached by ClinVar (database versions not stated): ExAC 0.00001.
gnomAD v4.1: 13 of 1,613,702 alleles (0.00081%); highest among the groups gnomAD compares: Non-Finnish European, 0.001%; no homozygotes.

Submission:

Labcorp Genetics (formerly Invitae), Labcorp
Classification: Uncertain significance. Last evaluated: 2025-10-02. Review status: criteria provided, single submitter. Criteria: Invitae Variant Classification Sherloc (09022015). Collection method: clinical testing. Allele origin: germline.
Comment: This sequence change replaces proline, which is neutral and non-polar, with arginine, which is basic and polar, at codon 425 of the FLAD1 protein (p.Pro425Arg). This variant is present in population databases (rs755733167, gnomAD 0.002%). This variant has not been reported in the literature in individuals affected with FLAD1-related conditions. ClinVar contains an entry for this variant (Variation ID: 1952321). An algorithm developed to predict the effect of missense changes on protein structure and function (PolyPhen-2) suggests that this variant is likely to be disruptive. In summary, the available evidence is currently insufficient to determine the role of this variant in disease. Therefore, it has been classified as a Variant of Uncertain Significance.

NM_025207.5(FLAD1):c.1274C>G (p.Pro425Arg)

Gene: FLAD1 (flavin adenine dinucleotide synthetase 1; plus strand). Cytogenetic location: 1q21.3.
Variant type: single nucleotide variant.
Coding change: c.1274C>G on transcript NM_025207.5 (MANE Select); coding-DNA position 1274, C replaced by G.
Protein change: p.Pro425Arg; replaces proline 425 with arginine.
Molecular consequence: missense variant.
Genome position (GRCh38, 1-based): chr1:154,990,167, C>G. VCF-style: chr1-154990167-C-G. GRCh37 (hg19) VCF-style: chr1-154962643-C-G.
Other names: c.983C>G, p.Pro328Arg (NM_001184891.2, NM_201398.3); short protein forms P328R, P425R.
Identifiers: ClinVar variation 1952321 (VCV001952321.5), dbSNP rs755733167, ClinGen allele CA1134528.